The following is an entry in ClinVar:

NM_000038.6(APC):c.4532T>G (p.Leu1511Arg)

Gene: APC (APC regulator of Wnt signaling pathway; plus strand). Cytogenetic location: 5q22.2.
Variant type: single nucleotide variant.
Coding change: c.4532T>G on transcript NM_000038.6 (MANE Select); coding-DNA position 4532, T replaced by G.
Protein change: p.Leu1511Arg; replaces leucine 1511 with arginine.
Molecular consequence: missense variant.
Genome position (GRCh38, 1-based): chr5:112,840,126, T>G. VCF-style: chr5-112840126-T-G. GRCh37 (hg19) VCF-style: chr5-112175823-T-G.
Other names: c.4532T>G, p.Leu1511Arg (NM_001127510.3, NM_001354895.2); c.4478T>G, p.Leu1493Arg (NM_001127511.3); c.4586T>G, p.Leu1529Arg (NM_001354896.2); c.4562T>G, p.Leu1521Arg (NM_001354897.2); c.4457T>G, p.Leu1486Arg (NM_001354898.2); c.4448T>G, p.Leu1483Arg (NM_001354899.2); c.4409T>G, p.Leu1470Arg (NM_001354900.2); c.4355T>G, p.Leu1452Arg (NM_001354901.2); and 5 more; short protein forms L1228R, L1351R, L1385R, L1410R, L1420R, L1452R, L1470R, L1483R.
Identifiers: ClinVar variation 1331907 (VCV001331907.3), dbSNP rs2149916927, ClinGen allele CA16031248.

ClinVar aggregate classification (germline): Uncertain significance (1 of 4 stars; one submission).

Conditions:
Hereditary cancer-predisposing syndrome. Also called: Tumor predisposition; Hereditary Cancer Syndrome; Neoplastic Syndromes, Hereditary; Hereditary neoplastic syndrome. Identifiers: Orphanet 140162, MedGen C0027672, MeSH D009386, MONDO:0015356.

Submission:

Color Diagnostics, LLC DBA Color Health
Classification: Uncertain significance for Hereditary cancer-predisposing syndrome. Last evaluated: 2024-03-06. Review status: criteria provided, single submitter. Criteria: ACMG Guidelines, 2015. Collection method: clinical testing. Allele origin: germline.
Comment: This missense variant replaces leucine with arginine at codon 1511 of the APC protein. Computational prediction suggests that this variant may have deleterious impact on protein structure and function (internally defined REVEL score threshold >= 0.7, PMID: 27666373). To our knowledge, functional studies have not been reported for this variant. This variant has not been reported in individuals affected with hereditary cancer in the literature. This variant has not been identified in the general population by the Genome Aggregation Database (gnomAD). The available evidence is insufficient to determine the role of this variant in disease conclusively. Therefore, this variant is classified as a Variant of Uncertain Significance.